The following is an entry in ClinVar:

NM_173086.5(KRT6C):c.960A>G (p.Leu320=)

Gene: KRT6C (keratin 6C; minus strand). Cytogenetic location: 12q13.13.
Variant type: single nucleotide variant.
Coding change: c.960A>G on transcript NM_173086.5 (MANE Select); coding-DNA position 960, A replaced by G.
Protein change: p.Leu320=; no amino-acid change (leucine 320 retained).
Molecular consequence: synonymous variant.
Genome position (GRCh38, 1-based): chr12:52,471,249, T>C on the plus strand (A>G on the coding strand, the complement: KRT6C is on the minus strand). VCF-style: chr12-52471249-T-C. GRCh37 (hg19) VCF-style: chr12-52865033-T-C.
Identifiers: ClinVar variation 3040614 (VCV003040614.3), dbSNP rs749811820, ClinGen allele CA6581322.

ClinVar aggregate classification (germline): Likely benign. Review status: criteria provided, single submitter (1 of 4 stars). 2 submissions from 2 submitters: Likely benign (1). 1 of the submissions does not count toward it. Last evaluated 2024-09-20.

Conditions:
KRT6C-related disorder. Also called: KRT6C-related condition.

Allele frequency attached by ClinVar (database versions not stated): ExAC 0.00001; gnomAD 0.00010; gnomAD exomes 0.00010; TOPMed 0.00010; 1000 Genomes Project 30x 0.00016.
gnomAD v4.1: 170 of 1,614,118 alleles (0.011%); highest among the groups gnomAD compares: Non-Finnish European, 0.012%; no homozygotes.

Submissions (2):

Blueprint Genetics
Classification: Likely benign. Last evaluated: 2024-09-20. Review status: criteria provided, single submitter. Criteria: ACMG Guidelines, 2015. Collection method: clinical testing. Allele origin: germline.

PreventionGenetics, part of Exact Sciences
Classification: Likely benign for KRT6C-related condition. Last evaluated: 2019-09-10. Review status: no assertion criteria provided. Collection method: clinical testing. Allele origin: germline. Not counted in ClinVar's aggregate classification.
Comment: This variant is classified as likely benign based on ACMG/AMP sequence variant interpretation guidelines (Richards et al. 2015 PMID: 25741868, with internal and published modifications).